The following is an entry in ClinVar:

NM_153252.5(BRWD3):c.5100T>C (p.Gly1700=)

Gene: BRWD3 (bromodomain and WD repeat domain containing 3; minus strand). Cytogenetic location: Xq21.1.
Variant type: single nucleotide variant.
Coding change: c.5100T>C on transcript NM_153252.5 (MANE Select); coding-DNA position 5100, T replaced by C.
Protein change: p.Gly1700=; no amino-acid change (glycine 1700 retained).
Molecular consequence: synonymous variant.
Genome position (GRCh38, 1-based): chrX:80,676,918, A>G on the plus strand (T>C on the coding strand, the complement: BRWD3 is on the minus strand). VCF-style: chrX-80676918-A-G. GRCh37 (hg19) VCF-style: chrX-79932417-A-G.
Identifiers: ClinVar variation 128531 (VCV000128531.27), dbSNP rs140852252, ClinGen allele CA152053.

ClinVar aggregate classification (germline): Benign/Likely benign. Review status: criteria provided, multiple submitters, no conflicts (2 of 4 stars). 6 submissions from 6 submitters: Benign (3); Likely benign (2). 1 of the submissions does not count toward it. Last evaluated 2026-01-24.

Conditions:
Inborn genetic diseases. Identifiers: MedGen C0950123, MeSH D030342.
Intellectual developmental disorder, X-linked 93. Also called: Intellectual disability, X-linked 93; MENTAL RETARDATION, X-LINKED, WITH MACROCEPHALY. Identifiers: MedGen C1970841, MONDO:0010393, OMIM 300659.

Allele frequency attached by ClinVar (database versions not stated): ESP Exome Variant Server 0.00530; TOPMed 0.00611; gnomAD 0.00612 and 0.00664; gnomAD exomes 0.00804 and 0.00937; ExAC 0.00819; 1000 Genomes Project 30x 0.01249; 1000 Genomes Project 0.01272.
gnomAD v4.1: 10,982 of 1,200,103 alleles (0.92%); highest among the groups gnomAD compares: East Asian, 1.8%; 47 homozygotes.

Submissions (6):

Labcorp Genetics (formerly Invitae), Labcorp
Classification: Benign. Last evaluated: 2026-01-24. Review status: criteria provided, single submitter. Criteria: Invitae Variant Classification Sherloc (09022015). Collection method: clinical testing. Allele origin: germline.

GeneDx
Classification: Likely benign. Last evaluated: 2020-12-02. Review status: criteria provided, single submitter. Criteria: GeneDx Variant Classification Process June 2021. Collection method: clinical testing. Allele origin: germline. Affected: yes.

Illumina Laboratory Services, Illumina
Classification: Benign for Intellectual developmental disorder, X-linked 93. Last evaluated: 2018-01-13. Review status: criteria provided, single submitter. Criteria: ICSL Variant Classification Criteria 13 December 2019. Collection method: clinical testing. Allele origin: germline.
Comment: This variant was observed in the ICSL laboratory as part of a predisposition screen in an ostensibly healthy population. It had not been previously curated by ICSL or reported in the Human Gene Mutation Database (HGMD: prior to June 1st, 2018), and was therefore a candidate for classification through an automated scoring system. Utilizing variant allele frequency, disease prevalence and penetrance estimates, and inheritance mode, an automated score was calculated to assess if this variant is too frequent to cause the disease. Based on the score and internal cut-off values, a variant classified as benign is not then subjected to further curation. The score for this variant resulted in a classification of benign for this disease.

Ambry Genetics
Classification: Benign for Inborn genetic diseases. Last evaluated: 2016-05-24. Review status: criteria provided, single submitter. Criteria: Ambry Variant Classification Scheme 2023. Collection method: clinical testing. Allele origin: germline.

Breakthrough Genomics
Classification: Likely benign. Review status: criteria provided, single submitter. Criteria: ACMG Guidelines, 2015. Collection method: not provided. Allele origin: germline. Inheritance: X-linked inheritance. Affected: yes.

Genetic Services Laboratory, University of Chicago
Classification: Likely benign for AllHighlyPenetrant. Review status: no assertion criteria provided. Collection method: clinical testing. Allele origin: germline. Inheritance: X-linked inheritance. Not counted in ClinVar's aggregate classification.
Comment: Likely benign based on allele frequency in 1000 Genomes Project or ESP global frequency and its presence in a patient with a rare or unrelated disease phenotype. NOT Sanger confirmed.